The following is an entry in ClinVar:

ClinVar aggregate classification (germline): Uncertain significance (1 of 4 stars; one submission).

Conditions:
Combined immunodeficiency due to ORAI1 deficiency. Also called: IMMUNODEFICIENCY 9. Identifiers: Orphanet 169090, Orphanet 317428, MedGen C2748568, MONDO:0013007, OMIM 612782.
Myopathy, tubular aggregate, 2 (TAM2). Identifiers: MedGen C4014557, MONDO:0014383, OMIM 615883.

Allele frequency attached by ClinVar (database versions not stated): gnomAD exomes 0.00002 and 0.00001; gnomAD 0.00002 and 0.00003; ExAC 0.00002.

Submission:

Labcorp Genetics (formerly Invitae), Labcorp
Classification: Uncertain significance for Myopathy, tubular aggregate, 2; Combined immunodeficiency due to ORAI1 deficiency. Last evaluated: 2025-12-22. Review status: criteria provided, single submitter. Criteria: Invitae Variant Classification Sherloc (09022015). Collection method: clinical testing. Allele origin: germline.
Comment: This sequence change replaces proline, which is neutral and non-polar, with histidine, which is basic and polar, at codon 211 of the ORAI1 protein (p.Pro211His). This variant is present in population databases (rs782472239, gnomAD 0.005%). This variant has not been reported in the literature in individuals affected with ORAI1-related conditions. ClinVar contains an entry for this variant (Variation ID: 1014753). Experimental studies and prediction algorithms are not available or were not evaluated, and the functional significance of this variant is currently unknown. In summary, the available evidence is currently insufficient to determine the role of this variant in disease. Therefore, it has been classified as a Variant of Uncertain Significance.

NC_000012.12:g.121641369C>A

Gene: ORAI1 (ORAI calcium release-activated calcium modulator 1; plus strand). Cytogenetic location: 12q24.31.
Variant type: single nucleotide variant.
Genome position: GRCh38 VCF-style: chr12-121641369-C-A. GRCh37 (hg19) VCF-style: chr12-122079275-C-A.
Other names: c.632C>A, p.Pro211His (NM_032790.4); short protein forms P211H.
Identifiers: ClinVar variation 1014753 (VCV001014753.7), dbSNP rs782472239, ClinGen allele CA6837529.
Genomic context (GRCh38, chr12:121,641,369, plus strand): 5'-TGGTGCTGCTCTGCTGGGTCAAGTTCTTGCCCCTCAAGAAGCAGCCAGGCCAGCCAAGGC[C>A]CACCAGCAAGCCCCCCGCCAGTGGCGCAGCAGCCAACGTCAGCACCAGCGGCATCACCCC-3'